The following is an entry in ClinVar:

NM_000382.3(ALDH3A2):c.681-14T>C

Gene: ALDH3A2 (aldehyde dehydrogenase 3 family member A2; plus strand). Cytogenetic location: 17p11.2.
Variant type: single nucleotide variant.
Coding change: c.681-14T>C on transcript NM_000382.3 (MANE Select); 14 bases into the intron before coding-DNA position 681, T replaced by C.
Molecular consequence: intron variant.
Genome position (GRCh38, 1-based): chr17:19,657,731, T>C. VCF-style: chr17-19657731-T-C. GRCh37 (hg19) VCF-style: chr17-19561044-T-C.
Other names: c.102-14T>C (NM_001369148.2); c.681-14T>C (NM_001369137.2, NM_001369138.2, NM_001369146.2 and 3 more transcripts).
Identifiers: ClinVar variation 4709442 (VCV004709442.1).

ClinVar aggregate classification (germline): Uncertain significance (1 of 4 stars; one submission).

gnomAD v4.1: 2 of 1,549,282 alleles (0.00013%); highest among the groups gnomAD compares: Non-Finnish European, 0.00018%; no homozygotes.

Submission:

Labcorp Genetics (formerly Invitae), Labcorp
Classification: Uncertain significance. Last evaluated: 2025-02-27. Review status: criteria provided, single submitter. Criteria: Invitae Variant Classification Sherloc (09022015). Collection method: clinical testing. Allele origin: germline.
Comment: This sequence change falls in intron 4 of the ALDH3A2 gene. It does not directly change the encoded amino acid sequence of the ALDH3A2 protein. This variant is present in population databases (no rsID available, gnomAD no frequency). This variant has been observed in individual(s) with Sjögren–Larsson syndrome (PMID: 24377952). Algorithms developed to predict the effect of sequence changes on RNA splicing suggest that this variant may disrupt the consensus splice site. In summary, the available evidence is currently insufficient to determine the role of this variant in disease. Therefore, it has been classified as a Variant of Uncertain Significance.

Literature cited by the submitters: PubMed 24377952.